The following is an entry in ClinVar:

ClinVar aggregate classification (germline): Benign/Likely benign. Review status: criteria provided, multiple submitters, no conflicts (2 of 4 stars). 5 submissions from 5 submitters: Benign (3); Likely benign (1). 1 of the submissions does not count toward it. Last evaluated 2026-02-01.

Conditions:
CCDC88C-related disorder. Also called: CCDC88C-Related Disorders; CCDC88C-related condition.
Inborn genetic diseases. Identifiers: MedGen C0950123, MeSH D030342.

Allele frequency attached by ClinVar (database versions not stated): 1000 Genomes Project 30x 0.00265; TOPMed 0.00284; 1000 Genomes Project 0.00300; ESP Exome Variant Server 0.00222; gnomAD 0.00246 and 0.00262; gnomAD exomes 0.00025 and 0.00058; ExAC 0.00122.
gnomAD v4.1: 756 of 1,556,670 alleles (0.049%); highest among the groups gnomAD compares: African/African-American, 0.83%; 3 homozygotes.

Submissions (5):

Labcorp Genetics (formerly Invitae), Labcorp
Classification: Benign. Last evaluated: 2026-02-01. Review status: criteria provided, single submitter. Criteria: Invitae Variant Classification Sherloc (09022015). Collection method: clinical testing. Allele origin: germline.

Ambry Genetics
Classification: Likely benign for Inborn genetic diseases. Last evaluated: 2025-08-12. Review status: criteria provided, single submitter. Criteria: Ambry Variant Classification Scheme 2023. Collection method: clinical testing. Allele origin: germline.

Genetic Services Laboratory, University of Chicago
Classification: Benign. Last evaluated: 2013-04-08. Review status: criteria provided, single submitter. Criteria: ACMG Guidelines, 2007. Collection method: clinical testing. Allele origin: germline. Inheritance: Autosomal recessive inheritance.

Breakthrough Genomics
Classification: Benign. Review status: criteria provided, single submitter. Criteria: ACMG Guidelines, 2015. Collection method: not provided. Allele origin: germline. Inheritance: Autosomal recessive inheritance. Affected: yes.

PreventionGenetics, part of Exact Sciences
Classification: Likely benign for CCDC88C-related condition. Last evaluated: 2020-08-19. Review status: no assertion criteria provided. Collection method: clinical testing. Allele origin: germline. Not counted in ClinVar's aggregate classification.
Comment: This variant is classified as likely benign based on ACMG/AMP sequence variant interpretation guidelines (Richards et al. 2015 PMID: 25741868, with internal and published modifications).

NM_001080414.4(CCDC88C):c.5654G>A (p.Arg1885His)

Gene: CCDC88C (coiled-coil and HOOK domain protein 88C; minus strand). Cytogenetic location: 14q32.11.
Variant type: single nucleotide variant.
Coding change: c.5654G>A on transcript NM_001080414.4 (MANE Select); coding-DNA position 5654, G replaced by A.
Protein change: p.Arg1885His; replaces arginine 1885 with histidine.
Molecular consequence: missense variant.
Genome position (GRCh38, 1-based): chr14:91,273,058, C>T on the plus strand (G>A on the coding strand, the complement: CCDC88C is on the minus strand). VCF-style: chr14-91273058-C-T. GRCh37 (hg19) VCF-style: chr14-91739402-C-T.
Other names: short protein forms R1885H.
Identifiers: ClinVar variation 158115 (VCV000158115.17), dbSNP rs61742126, ClinGen allele CA171538.